The following is an entry in ClinVar:

ClinVar aggregate classification (germline): Likely benign (0 of 4 stars; one submission).

Conditions:
MYOM2-related disorder. Also called: MYOM2-related condition.

Allele frequency attached by ClinVar (database versions not stated): gnomAD 0.00167; TOPMed 0.00172; 1000 Genomes Project 0.00180; ExAC 0.00059; 1000 Genomes Project 30x 0.00156; ESP Exome Variant Server 0.00192.
gnomAD v4.1: 553 of 1,613,556 alleles (0.034%); highest among the groups gnomAD compares: African/African-American, 0.57%; 5 homozygotes.

Submission:

PreventionGenetics, part of Exact Sciences
Classification: Likely benign for MYOM2-related condition. Last evaluated: 2019-07-12. Review status: no assertion criteria provided. Collection method: clinical testing. Allele origin: germline.
Comment: This variant is classified as likely benign based on ACMG/AMP sequence variant interpretation guidelines (Richards et al. 2015 PMID: 25741868, with internal and published modifications).

NM_003970.4(MYOM2):c.57C>T (p.Ser19=)

Gene: MYOM2 (myomesin 2; plus strand). Cytogenetic location: 8p23.3.
Variant type: single nucleotide variant.
Coding change: c.57C>T on transcript NM_003970.4 (MANE Select); coding-DNA position 57, C replaced by T.
Protein change: p.Ser19=; no amino-acid change (serine 19 retained).
Molecular consequence: synonymous variant.
Genome position (GRCh38, 1-based): chr8:2,050,823, C>T. VCF-style: chr8-2050823-C-T. GRCh37 (hg19) VCF-style: chr8-1998937-C-T.
Identifiers: ClinVar variation 3050181 (VCV003050181.2), dbSNP rs140335541, ClinGen allele CA170439403.
Genomic context (GRCh38, chr8:2,050,823, plus strand): 5'-CAAGATGTCCCTTGTGACTGTCCCCTTCTACCAGAAGAGACATAGGCACTTCGACCAGTC[C>T]TACCGTAATATTCAAACACGGTACCTGCTGGACGAATATGCGTCAAAAAAGTAAGCTGAC-3'
Protein context (NP_003961.3, residues 9-29): YQKRHRHFDQ[Ser19=]YRNIQTRYLL